The following is an entry in ClinVar:

NM_022725.4(FANCF):c.1038C>A (p.Ile346=)

Genes: FANCF (FA complementation group F; minus strand), LOC130005443 (ATAC-STARR-seq lymphoblastoid active region 4533; plus strand). Cytogenetic location: 11p14.3.
Variant type: single nucleotide variant.
Coding change: c.1038C>A on transcript NM_022725.4 (MANE Select); coding-DNA position 1038, C replaced by A.
Protein change: p.Ile346=; no amino-acid change (isoleucine 346 retained).
Molecular consequence: synonymous variant.
Genome position (GRCh38, 1-based): chr11:22,624,773, G>T on the plus strand (C>A on the coding strand, the complement: FANCF is on the minus strand). VCF-style: chr11-22624773-G-T. GRCh37 (hg19) VCF-style: chr11-22646319-G-T.
Identifiers: ClinVar variation 3622943 (VCV003622943.2).

ClinVar aggregate classification (germline): Uncertain significance (1 of 4 stars; one submission).

Conditions:
Fanconi anemia (FA). Also called: Fanconi's anemia. Identifiers: Orphanet 84, MedGen C0015625, MeSH D005199, MONDO:0019391.

gnomAD v4.1: 2 of 1,614,126 alleles (0.00012%); highest among the groups gnomAD compares: Admixed American, 0.0017%; no homozygotes.

Submission:

Labcorp Genetics (formerly Invitae), Labcorp
Classification: Uncertain significance for Fanconi anemia. Last evaluated: 2024-10-31. Review status: criteria provided, single submitter. Criteria: Invitae Variant Classification Sherloc (09022015). Collection method: clinical testing. Allele origin: germline.
Comment: This sequence change affects codon 346 of the FANCF mRNA. It is a 'silent' change, meaning that it does not change the encoded amino acid sequence of the FANCF protein. This variant is present in population databases (rs749487579, gnomAD 0.003%). This variant has not been reported in the literature in individuals affected with FANCF-related conditions. Experimental studies and prediction algorithms are not available or were not evaluated, and the effect of this variant on mRNA splicing is currently unknown. In summary, the available evidence is currently insufficient to determine the role of this variant in disease. Therefore, it has been classified as a Variant of Uncertain Significance.